The following is an entry in ClinVar:

ClinVar aggregate classification (germline): Uncertain significance (1 of 4 stars; one submission).

Conditions:
Desbuquois dysplasia 1 (DBQD1). Also called: MICROMELIC DWARFISM WITH VERTEBRAL AND METAPHYSEAL ABNORMALITIES AND ADVANCED CARPOTARSAL OSSIFICATION; DESBUQUOIS DYSPLASIA 1, KIM VARIANT. Identifiers: Orphanet 1425, MedGen C4012146, MONDO:0009629, OMIM 251450.

Allele frequency attached by ClinVar (database versions not stated): ExAC 0.00001; gnomAD 0.00001; gnomAD exomes 0.00001; TOPMed 0.00001.
gnomAD v4.1: 8 of 1,571,038 alleles (0.00051%); highest among the groups gnomAD compares: Non-Finnish European, 0.00069%; no homozygotes.

Submission:

Labcorp Genetics (formerly Invitae), Labcorp
Classification: Uncertain significance for Desbuquois dysplasia 1. Last evaluated: 2022-02-04. Review status: criteria provided, single submitter. Criteria: Invitae Variant Classification Sherloc (09022015). Collection method: clinical testing. Allele origin: germline.
Comment: In summary, the available evidence is currently insufficient to determine the role of this variant in disease. Therefore, it has been classified as a Variant of Uncertain Significance. Algorithms developed to predict the effect of missense changes on protein structure and function (SIFT, PolyPhen-2, Align-GVGD) all suggest that this variant is likely to be tolerated. This variant has not been reported in the literature in individuals affected with XYLT1-related conditions. The frequency data for this variant in the population databases is considered unreliable, as metrics indicate poor data quality at this position in the gnomAD database. This sequence change replaces isoleucine, which is neutral and non-polar, with valine, which is neutral and non-polar, at codon 265 of the XYLT1 protein (p.Ile265Val).

NM_022166.4(XYLT1):c.793A>G (p.Ile265Val)

Genes: XYLT1 (xylosyltransferase 1; minus strand), LOC130058565 (ATAC-STARR-seq lymphoblastoid active region 10504; plus strand). Cytogenetic location: 16p12.3.
Variant type: single nucleotide variant.
Coding change: c.793A>G on transcript NM_022166.4 (MANE Select); coding-DNA position 793, A replaced by G.
Protein change: p.Ile265Val; replaces isoleucine 265 with valine.
Molecular consequence: missense variant.
Genome position (GRCh38, 1-based): chr16:17,259,108, T>C on the plus strand (A>G on the coding strand, the complement: XYLT1 is on the minus strand). VCF-style: chr16-17259108-T-C. GRCh37 (hg19) VCF-style: chr16-17352965-T-C.
Other names: short protein forms I265V.
Identifiers: ClinVar variation 1357599 (VCV001357599.8), dbSNP rs770182325, ClinGen allele CA7928111.
Genomic context (GRCh38, chr16:17,259,108, plus strand): 5'-AGTAAGTCTCCCCAATCTCCTGGCGGCAGTGCTTGGACTTAGCACGGGACAGGGCAGAGA[T>C]GGCCTCCTTGCCTGAGATGTCACACTTAGGGGGCTGGTCATACTTGGTCTCGGGGGAGCT-3'
Protein context (NP_071449.1, residues 255-275): PKCDISGKEA[Ile265Val]SALSRAKSKH